The following is an entry in ClinVar:

NM_033026.6(PCLO):c.4014A>C (p.Lys1338Asn)

Gene: PCLO (piccolo presynaptic cytomatrix protein; minus strand). Cytogenetic location: 7q21.11.
Variant type: single nucleotide variant.
Coding change: c.4014A>C on transcript NM_033026.6 (MANE Select); coding-DNA position 4014, A replaced by C.
Protein change: p.Lys1338Asn; replaces lysine 1338 with asparagine.
Molecular consequence: missense variant.
Genome position (GRCh38, 1-based): chr7:82,965,774, T>G on the plus strand (A>C on the coding strand, the complement: PCLO is on the minus strand). VCF-style: chr7-82965774-T-G. GRCh37 (hg19) VCF-style: chr7-82595090-T-G.
Other names: c.4014A>C, p.Lys1338Asn (NM_014510.3); short protein forms K1338N.
Identifiers: ClinVar variation 2286392 (VCV002286392.6), dbSNP rs1341035897, ClinGen allele CA367930759.

ClinVar aggregate classification (germline): Uncertain significance. Review status: criteria provided, multiple submitters, no conflicts (2 of 4 stars). 2 submissions from 2 submitters: Uncertain significance (2). Last evaluated 2025-04-12.

Conditions:
Inborn genetic diseases. Identifiers: MedGen C0950123, MeSH D030342.

Allele frequency attached by ClinVar (database versions not stated): gnomAD exomes 0.00001.
gnomAD v4.1: 14 of 1,578,892 alleles (0.00089%); highest among the groups gnomAD compares: South Asian, 0.011%; no homozygotes.

Submissions (2):

Ambry Genetics
Classification: Uncertain significance for Inborn genetic diseases. Last evaluated: 2025-04-12. Review status: criteria provided, single submitter. Criteria: Ambry Variant Classification Scheme 2023. Collection method: clinical testing. Allele origin: germline.

Labcorp Genetics (formerly Invitae), Labcorp
Classification: Uncertain significance. Last evaluated: 2024-11-05. Review status: criteria provided, single submitter. Criteria: Invitae Variant Classification Sherloc (09022015). Collection method: clinical testing. Allele origin: germline.
Comment: This sequence change replaces lysine, which is basic and polar, with asparagine, which is neutral and polar, at codon 1338 of the PCLO protein (p.Lys1338Asn). This variant is present in population databases (no rsID available, gnomAD 0.004%). This variant has not been reported in the literature in individuals affected with PCLO-related conditions. ClinVar contains an entry for this variant (Variation ID: 2286392). Experimental studies and prediction algorithms are not available or were not evaluated, and the functional significance of this variant is currently unknown. In summary, the available evidence is currently insufficient to determine the role of this variant in disease. Therefore, it has been classified as a Variant of Uncertain Significance.